The following is an entry in ClinVar:

NM_001563.4(IMPG1):c.732C>A (p.Asn244Lys)

Gene: IMPG1 (interphotoreceptor matrix proteoglycan 1; minus strand). Cytogenetic location: 6q14.1.
Variant type: single nucleotide variant.
Coding change: c.732C>A on transcript NM_001563.4 (MANE Select); coding-DNA position 732, C replaced by A.
Protein change: p.Asn244Lys; replaces asparagine 244 with lysine.
Molecular consequence: missense variant.
Genome position (GRCh38, 1-based): chr6:76,018,793, G>T on the plus strand (C>A on the coding strand, the complement: IMPG1 is on the minus strand). VCF-style: chr6-76018793-G-T. GRCh37 (hg19) VCF-style: chr6-76728510-G-T.
Other names: c.498C>A, p.Asn166Lys (NM_001282368.2); short protein forms N244K, N166K.
Identifiers: ClinVar variation 2060285 (VCV002060285.4), dbSNP rs2481498543, ClinGen allele CA364778945.
Genomic context (GRCh38, chr6:76,018,793, plus strand): 5'-TCCTGCTAGCTCCTGGTAATATGGGGACTGGGAGTCAGCGAGCTCTGCCTTGAACTTCTG[G>T]TTTACCAGAGAGACGCTGAGCTCCACCCTCTGCTCCTCCAACACAGCGAATTCTGTTTCT-3'
Protein context (NP_001554.2, residues 234-254): QRVELSVSLV[Asn244Lys]QKFKAELADS

ClinVar aggregate classification (germline): Uncertain significance (1 of 4 stars; one submission).

Submission:

Labcorp Genetics (formerly Invitae), Labcorp
Classification: Uncertain significance. Last evaluated: 2021-12-25. Review status: criteria provided, single submitter. Criteria: Invitae Variant Classification Sherloc (09022015). Collection method: clinical testing. Allele origin: germline.
Comment: This variant has not been reported in the literature in individuals affected with IMPG1-related conditions. This variant is not present in population databases (gnomAD no frequency). This sequence change replaces asparagine, which is neutral and polar, with lysine, which is basic and polar, at codon 244 of the IMPG1 protein (p.Asn244Lys). In summary, the available evidence is currently insufficient to determine the role of this variant in disease. Therefore, it has been classified as a Variant of Uncertain Significance. Algorithms developed to predict the effect of missense changes on protein structure and function output the following: SIFT: "Deleterious"; PolyPhen-2: "Possibly Damaging"; Align-GVGD: "Class C35". The lysine amino acid residue is found in multiple mammalian species, which suggests that this missense change does not adversely affect protein function.